The following is an entry in ClinVar:

NM_001999.4(FBN2):c.4514C>T (p.Thr1505Ile)

Gene: FBN2 (fibrillin 2; minus strand). Cytogenetic location: 5q23.3.
Variant type: single nucleotide variant.
Coding change: c.4514C>T on transcript NM_001999.4 (MANE Select); coding-DNA position 4514, C replaced by T.
Protein change: p.Thr1505Ile; replaces threonine 1505 with isoleucine.
Molecular consequence: missense variant.
Genome position (GRCh38, 1-based): chr5:128,318,959, G>A on the plus strand (C>T on the coding strand, the complement: FBN2 is on the minus strand). VCF-style: chr5-128318959-G-A. GRCh37 (hg19) VCF-style: chr5-127654651-G-A.
Other names: short protein forms T1505I.
Identifiers: ClinVar variation 3715484 (VCV003715484.2).

ClinVar aggregate classification (germline): Uncertain significance (1 of 4 stars; one submission).

Conditions:
Congenital contractural arachnodactyly (CCA). Also called: Arthrogryposis, distal, type 9; BEALS SYNDROME; Beals-Hecht syndrome. Identifiers: Orphanet 115, MedGen C0220668, MONDO:0007363, OMIM 121050.

gnomAD v4.1: 1 of 1,611,290 alleles (0.000062%); highest among the groups gnomAD compares: Non-Finnish European, 0.000085%; no homozygotes.

Submission:

Labcorp Genetics (formerly Invitae), Labcorp
Classification: Uncertain significance for Congenital contractural arachnodactyly. Last evaluated: 2024-08-09. Review status: criteria provided, single submitter. Criteria: Invitae Variant Classification Sherloc (09022015). Collection method: clinical testing. Allele origin: germline.
Comment: This sequence change replaces threonine, which is neutral and polar, with isoleucine, which is neutral and non-polar, at codon 1505 of the FBN2 protein (p.Thr1505Ile). This variant is not present in population databases (gnomAD no frequency). This variant has not been reported in the literature in individuals affected with FBN2-related conditions. Advanced modeling of protein sequence and biophysical properties (such as structural, functional, and spatial information, amino acid conservation, physicochemical variation, residue mobility, and thermodynamic stability) performed at Invitae indicates that this missense variant is not expected to disrupt FBN2 protein function with a negative predictive value of 80%. In summary, the available evidence is currently insufficient to determine the role of this variant in disease. Therefore, it has been classified as a Variant of Uncertain Significance.